The following is an entry in ClinVar:

NM_007194.4(CHEK2):c.196G>T (p.Val66Leu)

Gene: CHEK2 (checkpoint kinase 2; minus strand). Cytogenetic location: 22q12.1.
Variant type: single nucleotide variant.
Coding change: c.196G>T on transcript NM_007194.4 (MANE Select); coding-DNA position 196, G replaced by T.
Protein change: p.Val66Leu; replaces valine 66 with leucine.
Molecular consequence: missense variant.
Genome position (GRCh38, 1-based): chr22:28,734,526, C>A on the plus strand (G>T on the coding strand, the complement: CHEK2 is on the minus strand). VCF-style: chr22-28734526-C-A. GRCh37 (hg19) VCF-style: chr22-29130514-C-A.
Other names: c.196G>T, p.Val66Leu (NM_001005735.3, NM_001349956.3, NM_145862.3); c.-582G>T (NM_001257387.3); short protein forms V66L.
Identifiers: ClinVar variation 2753487 (VCV002753487.3), dbSNP rs730881696, ClinGen allele CA411090816.

ClinVar aggregate classification (germline): Uncertain significance (1 of 4 stars; one submission).

Conditions:
Familial cancer of breast. Also called: BREAST CANCER, FAMILIAL; hereditary breast carcinoma; Hereditary breast cancer. Identifiers: Orphanet 227535, MedGen C0346153, MONDO:0016419, OMIM 114480. Disease mechanism: loss of function.

Submission:

Labcorp Genetics (formerly Invitae), Labcorp
Classification: Uncertain significance for Familial cancer of breast. Last evaluated: 2023-08-17. Review status: criteria provided, single submitter. Criteria: Invitae Variant Classification Sherloc (09022015). Collection method: clinical testing. Allele origin: germline.
Comment: In summary, the available evidence is currently insufficient to determine the role of this variant in disease. Therefore, it has been classified as a Variant of Uncertain Significance. An algorithm developed to predict the effect of missense changes on protein structure and function (PolyPhen-2) suggests that this variant is likely to be disruptive. This variant has not been reported in the literature in individuals affected with CHEK2-related conditions. This variant is not present in population databases (gnomAD no frequency). This sequence change replaces valine, which is neutral and non-polar, with leucine, which is neutral and non-polar, at codon 66 of the CHEK2 protein (p.Val66Leu).